The following is an entry in ClinVar:

ClinVar aggregate classification (germline): Benign. Review status: criteria provided, multiple submitters, no conflicts (2 of 4 stars). 3 submissions from 3 submitters: Benign (2). 1 of the submissions does not count toward it. Last evaluated 2026-02-01.

Conditions:
OPLAH-related disorder. Also called: OPLAH-related condition.
5-Oxoprolinase deficiency (OPLAHD). Also called: 5-OXOPROLINURIA DUE TO 5-OXOPROLINASE DEFICIENCY. Identifiers: Orphanet 33572, MedGen C0268525, MONDO:0009825, OMIM 260005, HP:0040142.

Allele frequency attached by ClinVar (database versions not stated): gnomAD 0.20801 and 0.21869; gnomAD exomes 0.09726 and 0.08765; ExAC 0.11791; ESP Exome Variant Server 0.19980; TOPMed 0.22480; 1000 Genomes Project 0.20248; 1000 Genomes Project 30x 0.21143.
gnomAD v4.1: 159,084 of 1,597,704 alleles (10%); highest among the groups gnomAD compares: African/African-American, 55%; 16,584 homozygotes.

Submissions (3):

Labcorp Genetics (formerly Invitae), Labcorp
Classification: Benign for 5-Oxoprolinase deficiency. Last evaluated: 2026-02-01. Review status: criteria provided, single submitter. Criteria: Invitae Variant Classification Sherloc (09022015). Collection method: clinical testing. Allele origin: germline.

Breakthrough Genomics
Classification: Benign. Review status: criteria provided, single submitter. Criteria: ACMG Guidelines, 2015. Collection method: not provided. Allele origin: germline. Inheritance: Autosomal recessive inheritance. Affected: yes.

PreventionGenetics, part of Exact Sciences
Classification: Benign for OPLAH-related condition. Last evaluated: 2019-10-21. Review status: no assertion criteria provided. Collection method: clinical testing. Allele origin: germline. Not counted in ClinVar's aggregate classification.
Comment: This variant is classified as benign based on ACMG/AMP sequence variant interpretation guidelines (Richards et al. 2015 PMID: 25741868, with internal and published modifications).

NM_017570.5(OPLAH):c.850A>C (p.Ser284Arg)

Gene: OPLAH (5-oxoprolinase, ATP-hydrolysing; minus strand). Cytogenetic location: 8q24.3.
Variant type: single nucleotide variant.
Coding change: c.850A>C on transcript NM_017570.5 (MANE Select); coding-DNA position 850, A replaced by C.
Protein change: p.Ser284Arg; replaces serine 284 with arginine.
Molecular consequence: missense variant.
Genome position (GRCh38, 1-based): chr8:144,058,338, T>G on the plus strand (A>C on the coding strand, the complement: OPLAH is on the minus strand). VCF-style: chr8-144058338-T-G. GRCh37 (hg19) VCF-style: chr8-145113241-T-G.
Other names: c.850A>C (NM_017570.4); short protein forms S284R.
Identifiers: ClinVar variation 1165139 (VCV001165139.10), dbSNP rs3935209, ClinGen allele CA4932126.